The following is an entry in ClinVar:

ClinVar aggregate classification (germline): Uncertain significance (1 of 4 stars; one submission).

Conditions:
Inborn genetic diseases. Identifiers: MedGen C0950123, MeSH D030342.

Submission:

Ambry Genetics
Classification: Uncertain significance for Inborn genetic diseases. Last evaluated: 2026-02-14. Review status: criteria provided, single submitter. Criteria: Ambry Variant Classification Scheme 2023. Collection method: clinical testing. Allele origin: germline.
Comment: The p.C85F variant (also known as c.254G>T), located in coding exon 2 of the MIB1 gene, results from a G to T substitution at nucleotide position 254. The cysteine at codon 85 is replaced by phenylalanine, an amino acid with highly dissimilar properties. This amino acid position is conserved. In addition, this alteration is predicted to be deleterious by in silico analysis. Based on the available evidence, the clinical significance of this variant remains unclear.

NM_020774.4(MIB1):c.254G>T (p.Cys85Phe)

Gene: MIB1 (MIB E3 ubiquitin protein ligase 1; plus strand). Cytogenetic location: 18q11.2.
Variant type: single nucleotide variant.
Coding change: c.254G>T on transcript NM_020774.4 (MANE Select); coding-DNA position 254, G replaced by T.
Protein change: p.Cys85Phe; replaces cysteine 85 with phenylalanine.
Molecular consequence: missense variant.
Genome position (GRCh38, 1-based): chr18:21,765,796, G>T. VCF-style: chr18-21765796-G-T. GRCh37 (hg19) VCF-style: chr18-19345757-G-T.
Other names: short protein forms C85F.
Identifiers: ClinVar variation 4844690 (VCV004844690.1).